The following is an entry in ClinVar:

ClinVar aggregate classification (germline): Pathogenic (1 of 4 stars; one submission).

Conditions:
Hereditary cancer-predisposing syndrome. Also called: Neoplastic Syndromes, Hereditary; Hereditary Cancer Syndrome; Tumor predisposition; Hereditary neoplastic syndrome. Identifiers: Orphanet 140162, MedGen C0027672, MeSH D009386, MONDO:0015356.

Submission:

Ambry Genetics
Classification: Pathogenic for Hereditary cancer-predisposing syndrome. Last evaluated: 2025-01-30. Review status: criteria provided, single submitter. Criteria: Ambry Variant Classification Scheme 2023. Collection method: clinical testing. Allele origin: germline.
Comment: The c.1046_1047delTG pathogenic mutation, located in coding exon 8 of the SDHA gene, results from a deletion of two nucleotides at nucleotide positions 1046 to 1047, causing a translational frameshift with a predicted alternate stop codon (p.L349Rfs*11). This alteration is expected to result in loss of function by premature protein truncation or nonsense-mediated mRNA decay. As such, this alteration is interpreted as a disease-causing mutation.

NM_004168.4(SDHA):c.1046_1047del (p.Leu349fs)

Gene: SDHA (succinate dehydrogenase complex flavoprotein subunit A; plus strand). Cytogenetic location: 5p15.33.
Variant type: Deletion.
Coding change: c.1046_1047del on transcript NM_004168.4 (MANE Select); coding-DNA positions 1046 to 1047, 2 bases deleted (TG; older notation c.1046_1047delTG).
Protein change: p.Leu349fs; shifts the reading frame from leucine 349.
Molecular consequence: frameshift variant.
Genome position (GRCh38, 1-based): chr5:233,627-233,628, TG deleted. VCF-style (leftmost placement, unchanged base first): chr5-233626-CTG-C. GRCh37 (hg19) VCF-style: chr5-233741-CTG-C.
Other names: c.902_903del, p.Leu301fs (NM_001294332.2); c.1046_1047del, p.Leu349fs (NM_001330758.2); short protein forms L349fs, L301fs.
Identifiers: ClinVar variation 3793545 (VCV003793545.1).